The following is an entry in ClinVar:

ClinVar aggregate classification (germline): Likely pathogenic (1 of 4 stars; one submission).

Conditions:
Autosomal recessive limb-girdle muscular dystrophy type 2B (LGMDR2). Also called: MUSCULAR DYSTROPHY, LIMB-GIRDLE, TYPE 3; MUSCULAR DYSTROPHY, LIMB-GIRDLE, AUTOSOMAL RECESSIVE 2; Limb-Girdle Muscular Dystrophy Type 2B (LGMD2B); Limb-girdle muscular dystrophy, type 2B. Identifiers: Orphanet 268, MedGen C1850889, MONDO:0009676, OMIM 253601.

Submission:

Natera, Inc.
Classification: Likely pathogenic for Limb-girdle muscular dystrophy type 2B. Last evaluated: 2025-06-18. Review status: criteria provided, single submitter. Criteria: Natera Variant Classification Schema (03/2026). Collection method: clinical testing. Allele origin: germline.
Comment: The c.5201-1G>A variant in DYSF is a canonical splice acceptor site variant predicted to affect pre-mRNA splicing, which may result in an abnormal transcript and altered protein product. This variant is expected to result in nonsense mediated decay, truncation, or a dysfunctional protein product. This variant is rare in the general population with a frequency below the threshold expected for the associated phenotype(s). Given the available evidence, this variant is classified as Likely Pathogenic.

NM_001130987.2(DYSF):c.5318-1G>A

Gene: DYSF (dysferlin; plus strand). Cytogenetic location: 2p13.2.
Variant type: single nucleotide variant.
Coding change: c.5318-1G>A on transcript NM_001130987.2 (MANE Select); the canonical splice acceptor site of the intron before coding-DNA position 5318, G replaced by A.
Molecular consequence: splice acceptor variant.
Genome position (GRCh38, 1-based): chr2:71,667,375, G>A. VCF-style: chr2-71667375-G-A. GRCh37 (hg19) VCF-style: chr2-71894505-G-A.
Other names: c.5294-1G>A (NM_001130979.2); c.5315-1G>A (NM_001130981.2); c.5252-1G>A (NM_001130980.2); c.5264-1G>A (NM_001130978.2); c.5201-1G>A (NM_003494.4); c.5222-1G>A (NM_001130977.2); c.5159-1G>A (NM_001130976.2); c.5297-1G>A (NM_001130982.2); and 5 more.
Identifiers: ClinVar variation 4815154 (VCV004815154.1).